The following is an entry in ClinVar:

ClinVar aggregate classification (germline): Pathogenic (1 of 4 stars; one submission).

Conditions:
Autosomal recessive ataxia, Beauce type. Also called: SYNE1 Deficiency; Spinocerebellar ataxia, autosomal recessive 8; ATAXIA, RECESSIVE, OF BEAUCE; SYNE1-Related Autosomal Recessive Cerebellar Ataxia. Identifiers: Orphanet 88644, MedGen C1853116, MONDO:0012549, OMIM 610743.
Emery-Dreifuss muscular dystrophy 4, autosomal dominant (EDMD4). Also called: EMERY-DREIFUSS MUSCULAR DYSTROPHY 4 WITH VARIABLE FEATURES. Identifiers: Orphanet 261, MedGen C2751807, MONDO:0013071, OMIM 612998.

Submission:

Labcorp Genetics (formerly Invitae), Labcorp
Classification: Pathogenic for Emery-Dreifuss muscular dystrophy 4, autosomal dominant; Autosomal recessive ataxia, Beauce type. Last evaluated: 2022-09-20. Review status: criteria provided, single submitter. Criteria: Invitae Variant Classification Sherloc (09022015). Collection method: clinical testing. Allele origin: germline.
Comment: For these reasons, this variant has been classified as Pathogenic. This variant has not been reported in the literature in individuals affected with SYNE1-related conditions. This variant is not present in population databases (gnomAD no frequency). This sequence change creates a premature translational stop signal (p.Glu5691*) in the SYNE1 gene. It is expected to result in an absent or disrupted protein product. Loss-of-function variants in SYNE1 are known to be pathogenic (PMID: 19542096, 24319099, 27086870).

Literature cited by the submitters: PubMed 19542096; PubMed 24319099; PubMed 27086870.

NM_182961.4(SYNE1):c.17284G>T (p.Glu5762Ter)

Gene: SYNE1 (spectrin repeat containing nuclear envelope protein 1; minus strand). Cytogenetic location: 6q25.2.
Variant type: single nucleotide variant.
Coding change: c.17284G>T on transcript NM_182961.4 (MANE Select); coding-DNA position 17284, G replaced by T.
Protein change: p.Glu5762Ter; replaces glutamic acid 5762 with a stop codon.
Molecular consequence: nonsense.
Genome position (GRCh38, 1-based): chr6:152,308,551, C>A on the plus strand (G>T on the coding strand, the complement: SYNE1 is on the minus strand). VCF-style: chr6-152308551-C-A. GRCh37 (hg19) VCF-style: chr6-152629686-C-A.
Other names: c.17071G>T, p.Glu5691Ter (NM_033071.5); short protein forms E5691*, E5762*.
Identifiers: ClinVar variation 2031473 (VCV002031473.4), dbSNP rs2552092384, ClinGen allele CA366105414.